The following is an entry in ClinVar:

ClinVar aggregate classification (germline): Uncertain significance. Review status: criteria provided, multiple submitters, no conflicts (2 of 4 stars). 2 submissions from 2 submitters: Uncertain significance (2). Last evaluated 2022-11-19.

Conditions:
3-methylglutaconic aciduria, type VIIB (MGCA7B). Also called: 3-methylglutaconic aciduria with cataracts, neurologic involvement and neutropenia; 3-methylglutaconic aciduria, type VII, with cataracts, neurologic involvement and neutropenia; CLPB Deficiency. Identifiers: Orphanet 445038, MedGen C5676893, MONDO:0014561, OMIM 616271.
Inborn genetic diseases. Identifiers: MedGen C0950123, MeSH D030342.

Allele frequency attached by ClinVar (database versions not stated): gnomAD exomes below 0.00001.
gnomAD v4.1: 2 of 1,614,146 alleles (0.00012%); highest among the groups gnomAD compares: Non-Finnish European, 0.00017%; no homozygotes.

Submissions (2):

Ambry Genetics
Classification: Uncertain significance for Inborn genetic diseases. Last evaluated: 2022-11-19. Review status: criteria provided, single submitter. Criteria: Ambry Variant Classification Scheme 2023. Collection method: clinical testing. Allele origin: germline.

Labcorp Genetics (formerly Invitae), Labcorp
Classification: Uncertain significance for 3-methylglutaconic aciduria, type VIIB. Last evaluated: 2022-06-23. Review status: criteria provided, single submitter. Criteria: Invitae Variant Classification Sherloc (09022015). Collection method: clinical testing. Allele origin: germline.
Comment: In summary, the available evidence is currently insufficient to determine the role of this variant in disease. Therefore, it has been classified as a Variant of Uncertain Significance. Algorithms developed to predict the effect of missense changes on protein structure and function (SIFT, PolyPhen-2, Align-GVGD) all suggest that this variant is likely to be tolerated. This variant has not been reported in the literature in individuals affected with CLPB-related conditions. This variant is not present in population databases (gnomAD no frequency). This sequence change replaces isoleucine, which is neutral and non-polar, with threonine, which is neutral and polar, at codon 577 of the CLPB protein (p.Ile577Thr).

NM_001258392.3(CLPB):c.1640T>C (p.Ile547Thr)

Gene: CLPB (ClpB family mitochondrial disaggregase; minus strand). Cytogenetic location: 11q13.4.
Variant type: single nucleotide variant.
Coding change: c.1640T>C on transcript NM_001258392.3 (MANE Select); coding-DNA position 1640, T replaced by C.
Protein change: p.Ile547Thr; replaces isoleucine 547 with threonine.
Molecular consequence: missense variant.
Genome position (GRCh38, 1-based): chr11:72,294,365, A>G on the plus strand (T>C on the coding strand, the complement: CLPB is on the minus strand). VCF-style: chr11-72294365-A-G. GRCh37 (hg19) VCF-style: chr11-72005409-A-G.
Other names: c.1553T>C, p.Ile518Thr (NM_001258393.3); c.1595T>C, p.Ile532Thr (NM_001258394.3); c.1730T>C, p.Ile577Thr (NM_030813.6); c.1730T>C (NM_030813.3); short protein forms I547T, I577T, I518T, I532T.
Identifiers: ClinVar variation 1979134 (VCV001979134.5), dbSNP rs2539318051, ClinGen allele CA381726289.